The following is an entry in ClinVar:

NM_013275.6(ANKRD11):c.1070G>C (p.Arg357Thr)

Gene: ANKRD11 (ankyrin repeat domain containing 11; minus strand). Cytogenetic location: 16q24.3.
Variant type: single nucleotide variant.
Coding change: c.1070G>C on transcript NM_013275.6 (MANE Select); coding-DNA position 1070, G replaced by C.
Protein change: p.Arg357Thr; replaces arginine 357 with threonine.
Molecular consequence: missense variant.
Genome position (GRCh38, 1-based): chr16:89,285,472, C>G on the plus strand (G>C on the coding strand, the complement: ANKRD11 is on the minus strand). VCF-style: chr16-89285472-C-G. GRCh37 (hg19) VCF-style: chr16-89351880-C-G.
Other names: c.1070G>C, p.Arg357Thr (NM_001256182.2, NM_001256183.2); short protein forms R357T.
Identifiers: ClinVar variation 3895828 (VCV003895828.1).

ClinVar aggregate classification (germline): Uncertain significance (1 of 4 stars; one submission).

gnomAD v4.1: 1 of 1,614,224 alleles (0.000062%); highest among the groups gnomAD compares: Non-Finnish European, 0.000085%; no homozygotes.

Submission:

Women's Health and Genetics/Laboratory Corporation of America, LabCorp
Classification: Uncertain significance. Last evaluated: 2025-03-05. Review status: criteria provided, single submitter. Criteria: LabCorp Variant Classification Summary - May 2015. Collection method: clinical testing. Allele origin: germline.
Comment: Variant summary: ANKRD11 c.1070G>C (p.Arg357Thr) results in a non-conservative amino acid change in the encoded protein sequence. Three of five in-silico tools predict a damaging effect of the variant on protein function. The variant was absent in 251484 control chromosomes. The available data on variant occurrences in the general population are insufficient to allow any conclusion about variant significance. To our knowledge, no occurrence of c.1070G>C in individuals affected with KBG Syndrome and no experimental evidence demonstrating its impact on protein function have been reported. No submitters have cited clinical-significance assessments for this variant to ClinVar. Based on the evidence outlined above, the variant was classified as uncertain significance.